The following is an entry in ClinVar:

NM_005751.5(AKAP9):c.5216T>G (p.Val1739Gly)

Gene: AKAP9 (A-kinase anchoring protein 9; plus strand). Cytogenetic location: 7q21.2.
Variant type: single nucleotide variant.
Coding change: c.5216T>G on transcript NM_005751.5 (MANE Select); coding-DNA position 5216, T replaced by G.
Protein change: p.Val1739Gly; replaces valine 1739 with glycine.
Molecular consequence: missense variant.
Genome position (GRCh38, 1-based): chr7:92,045,061, T>G. VCF-style: chr7-92045061-T-G. GRCh37 (hg19) VCF-style: chr7-91674375-T-G.
Other names: c.5216T>G, p.Val1739Gly (NM_147185.3); short protein forms V1739G.
Identifiers: ClinVar variation 4033279 (VCV004033279.2).

ClinVar aggregate classification (germline): Uncertain significance. Review status: criteria provided, multiple submitters, no conflicts (2 of 4 stars). 2 submissions from 2 submitters: Uncertain significance (2). Last evaluated 2025-11-05.

Conditions:
Cardiovascular phenotype. Identifiers: MedGen CN230736.
Long QT syndrome (LQTS). Identifiers: MedGen C0023976, MeSH D008133, MONDO:0002442. Disease mechanism: loss of function. Inheritance: Various modes of inheritance.

gnomAD v4.1: 2 of 1,613,676 alleles (0.00012%); highest among the groups gnomAD compares: African/African-American, 0.0027%; no homozygotes.

Submissions (2):

Labcorp Genetics (formerly Invitae), Labcorp
Classification: Uncertain significance for Long QT syndrome. Last evaluated: 2025-11-05. Review status: criteria provided, single submitter. Criteria: Invitae Variant Classification Sherloc (09022015). Collection method: clinical testing. Allele origin: germline.
Comment: This sequence change replaces valine, which is neutral and non-polar, with glycine, which is neutral and non-polar, at codon 1739 of the AKAP9 protein (p.Val1739Gly). This variant is present in population databases (no rsID available, gnomAD 0.01%). This variant has not been reported in the literature in individuals affected with AKAP9-related conditions. ClinVar contains an entry for this variant (Variation ID: 4033279). An algorithm developed to predict the effect of missense changes on protein structure and function (PolyPhen-2) suggests that this variant is likely to be disruptive. In summary, the available evidence is currently insufficient to determine the role of this variant in disease. Therefore, it has been classified as a Variant of Uncertain Significance.

Ambry Genetics
Classification: Uncertain significance for Cardiovascular phenotype. Last evaluated: 2025-03-25. Review status: criteria provided, single submitter. Criteria: Ambry Variant Classification Scheme 2023. Collection method: clinical testing. Allele origin: germline.
Comment: The p.V1739G variant (also known as c.5216T>G), located in coding exon 21 of the AKAP9 gene, results from a T to G substitution at nucleotide position 5216. The valine at codon 1739 is replaced by glycine, an amino acid with dissimilar properties. This amino acid position is conserved. In addition, the in silico prediction for this alteration is inconclusive. Based on the available evidence, the clinical significance of this variant remains unclear.